The following is an entry in ClinVar:

ClinVar aggregate classification (germline): Uncertain significance. Review status: criteria provided, multiple submitters, no conflicts (2 of 4 stars). 2 submissions from 2 submitters: Uncertain significance (2). Last evaluated 2025-10-24.

Conditions:
NRTN-related disorder. Also called: NRTN-related condition.

Allele frequency attached by ClinVar (database versions not stated): gnomAD exomes 0.00086; ExAC 0.00089; 1000 Genomes Project 30x 0.00016; ESP Exome Variant Server 0.00009; gnomAD 0.00037; TOPMed 0.00024.
gnomAD v4.1: 1,114 of 1,404,060 alleles (0.079%); highest among the groups gnomAD compares: Non-Finnish European, 0.1%; no homozygotes.

Submissions (2):

Ambry Genetics
Classification: Uncertain significance. Last evaluated: 2025-10-24. Review status: criteria provided, single submitter. Criteria: Ambry Variant Classification Scheme 2023. Collection method: clinical testing. Allele origin: germline.

PreventionGenetics, part of Exact Sciences
Classification: Uncertain significance for NRTN-related condition. Last evaluated: 2023-03-13. Review status: criteria provided, single submitter. Criteria: ACMG Guidelines, 2015. Collection method: clinical testing. Allele origin: germline.
Comment: The NRTN c.319G>A variant is predicted to result in the amino acid substitution p.Glu107Lys. To our knowledge, this variant has not been reported in the literature. This variant is reported in 0.076% of alleles in individuals of European (Non-Finnish) descent in gnomAD. At this time, the clinical significance of this variant is uncertain due to the absence of conclusive functional and genetic evidence.

NM_004558.5(NRTN):c.319G>A (p.Glu107Lys)

Gene: NRTN (neurturin; plus strand). Cytogenetic location: 19p13.3.
Variant type: single nucleotide variant.
Coding change: c.319G>A on transcript NM_004558.5 (MANE Select); coding-DNA position 319, G replaced by A.
Protein change: p.Glu107Lys; replaces glutamic acid 107 with lysine.
Molecular consequence: missense variant.
Genome position (GRCh38, 1-based): chr19:5,827,898, G>A. VCF-style: chr19-5827898-G-A. GRCh37 (hg19) VCF-style: chr19-5827909-G-A.
Other names: short protein forms E107K.
Identifiers: ClinVar variation 2588094 (VCV002588094.4), dbSNP rs375707068, ClinGen allele CA9117735.